The following is an entry in ClinVar:

NM_001384317.1(ZHX3):c.1058C>T (p.Thr353Ile)

Gene: ZHX3 (zinc fingers and homeoboxes 3; minus strand). Cytogenetic location: 20q12.
Variant type: single nucleotide variant.
Coding change: c.1058C>T on transcript NM_001384317.1 (MANE Select); coding-DNA position 1058, C replaced by T.
Protein change: p.Thr353Ile; replaces threonine 353 with isoleucine.
Molecular consequence: missense variant.
Genome position (GRCh38, 1-based): chr20:41,203,859, G>A on the plus strand (C>T on the coding strand, the complement: ZHX3 is on the minus strand). VCF-style: chr20-41203859-G-A. GRCh37 (hg19) VCF-style: chr20-39832499-G-A.
Other names: c.1058C>T, p.Thr353Ile (NM_001384315.1, NM_001384316.1, NM_001384318.1 and 8 more transcripts); short protein forms T353I.
Identifiers: ClinVar variation 3676478 (VCV003676478.2).

ClinVar aggregate classification (germline): Uncertain significance (1 of 4 stars; one submission).

Submission:

Labcorp Genetics (formerly Invitae), Labcorp
Classification: Uncertain significance. Last evaluated: 2024-04-12. Review status: criteria provided, single submitter. Criteria: Invitae Variant Classification Sherloc (09022015). Collection method: clinical testing. Allele origin: germline.
Comment: This sequence change replaces threonine, which is neutral and polar, with isoleucine, which is neutral and non-polar, at codon 353 of the ZHX3 protein (p.Thr353Ile). This variant is not present in population databases (gnomAD no frequency). This variant has not been reported in the literature in individuals affected with ZHX3-related conditions. An algorithm developed to predict the effect of missense changes on protein structure and function (PolyPhen-2) suggests that this variant is likely to be disruptive. In summary, the available evidence is currently insufficient to determine the role of this variant in disease. Therefore, it has been classified as a Variant of Uncertain Significance.